The following is an entry in ClinVar:

ClinVar aggregate classification (germline): Likely pathogenic. Review status: criteria provided, multiple submitters, no conflicts (2 of 4 stars). 2 submissions from 2 submitters: Likely pathogenic (2). Last evaluated 2024-11-07.

Conditions:
BBS4-related disorder. Also called: BBS4-related condition.

Submissions (2):

PreventionGenetics, part of Exact Sciences
Classification: Likely pathogenic for BBS4-related condition. Last evaluated: 2024-11-07. Review status: criteria provided, single submitter. Criteria: ACMG Guidelines, 2015. Collection method: clinical testing. Allele origin: germline.
Comment: The BBS4 c.1322_1323delAA variant is predicted to result in a frameshift and premature protein termination (p.Lys441Argfs*24). To our knowledge, this variant has not been reported in the literature in affected individuals. This variant is reported in 0.0046% of alleles in individuals of European (Finnish) descent in gnomAD. Frameshift variants in BBS4 are expected to be pathogenic. This variant is interpreted as likely pathogenic.

Blueprint Genetics
Classification: Likely pathogenic for BBS4-related disorders. Last evaluated: 2022-11-15. Review status: criteria provided, single submitter. Criteria: ACMG Guidelines, 2015. Collection method: clinical testing. Allele origin: germline. Affected: yes. Observed: 3 variant alleles.

NM_033028.5(BBS4):c.1322_1323del (p.Lys441fs)

Gene: BBS4 (Bardet-Biedl syndrome 4; plus strand). Cytogenetic location: 15q24.1.
Variant type: Deletion.
Coding change: c.1322_1323del on transcript NM_033028.5 (MANE Select); coding-DNA positions 1322 to 1323, 2 bases deleted (AA; older notation c.1322_1323delAA).
Protein change: p.Lys441fs; shifts the reading frame from lysine 441.
Molecular consequence: frameshift variant. On other transcripts: non-coding transcript variant (2).
Genome position (GRCh38, 1-based): chr15:72,736,835-72,736,836, AA deleted; deleting any 2 consecutive bases within chr15:72,736,834-72,736,836 gives the same sequence; the c. name uses the placement nearest the transcript's 3' end. VCF-style (leftmost placement, unchanged base first): chr15-72736833-TAA-T. GRCh37 (hg19) VCF-style: chr15-73029174-TAA-T.
Other names: c.806_807del, p.Lys269fs (NM_001252678.2); c.1253_1254del, p.Lys418fs (NM_001320665.2); c.1322_1323delAA (NM_033028.4); short protein forms K441fs, K269fs, K418fs.
Identifiers: ClinVar variation 4925767 (VCV004925767.2).